The following is an entry in ClinVar:

NM_015602.4(TOR1AIP1):c.919C>T (p.Leu307=)

Gene: TOR1AIP1 (torsin 1A interacting protein 1; plus strand). Cytogenetic location: 1q25.2.
Variant type: single nucleotide variant.
Coding change: c.919C>T on transcript NM_015602.4 (MANE Select); coding-DNA position 919, C replaced by T.
Protein change: p.Leu307=; no amino-acid change (leucine 307 retained).
Molecular consequence: synonymous variant.
Genome position (GRCh38, 1-based): chr1:179,914,009, C>T. VCF-style: chr1-179914009-C-T. GRCh37 (hg19) VCF-style: chr1-179883144-C-T.
Other names: p.Leu308=; c.922C>T, p.Leu308= (NM_001267578.2); c.922C>T (NM_001267578.1).
Identifiers: ClinVar variation 1153636 (VCV001153636.10), dbSNP rs1037138752, ClinGen allele CA33687012.

ClinVar aggregate classification (germline): Likely benign. Review status: criteria provided, multiple submitters, no conflicts (2 of 4 stars). 2 submissions from 2 submitters: Likely benign (2). Last evaluated 2025-03-26.

Conditions:
Autosomal recessive limb-girdle muscular dystrophy type 2Y (MRRSDC). Also called: Muscular dystrophy, autosomal recessive, with rigid spine and distal joint contractures; Muscular dystrophy, limb-girdle, type 2y. Identifiers: Orphanet 424261, MedGen C4511482, MONDO:0014900, OMIM 617072.

Allele frequency attached by ClinVar (database versions not stated): gnomAD 0.00002 and 0.00003; TOPMed 0.00004.

Submissions (2):

Mayo Clinic Laboratories, Mayo Clinic
Classification: Likely benign. Last evaluated: 2025-03-26. Review status: criteria provided, single submitter. Criteria: ACMG Guidelines, 2015. Collection method: clinical testing. Allele origin: germline. Observed: 1 variant allele.
Comment: BP4, BP7

Labcorp Genetics (formerly Invitae), Labcorp
Classification: Likely benign for Autosomal recessive limb-girdle muscular dystrophy type 2Y. Last evaluated: 2024-06-13. Review status: criteria provided, single submitter. Criteria: Invitae Variant Classification Sherloc (09022015). Collection method: clinical testing. Allele origin: germline.